The following is an entry in ClinVar:

ClinVar aggregate classification (germline): Likely pathogenic (1 of 4 stars; one submission).

Conditions:
CDKL5 disorder. Identifiers: MedGen CN296942, MONDO:0100039.

Submission:

Centre for Population Genomics, CPG
Classification: Likely pathogenic for CDKL5 disorder. Last evaluated: 2024-12-24. Review status: criteria provided, single submitter. Criteria: McKnight et al. (Hum Mutat. 2022). Collection method: curation. Allele origin: germline. Inheritance: X-linked inheritance.
Comment: This variant has been collected from RettBASE and curated to current modified ACMG/AMP criteria. Based on the classification scheme defined by the ClinGen Rett/Angelman-like Expert Panel for Rett/AS-like Disorders Specifications to the ACMG/AMP Variant Interpretation Guidelines VCEP 3.0, this variant is classified as likely pathogenic. At least the following criteria are met: Occurs in the well-characterized ATP binding region of CDKL5 (PM1). This variant has been identified as a de novo occurrence in an individual with CDKL5 disorder without confirmation of paternity and maternity (PM6, PMID: 38874638). This variant is absent from gnomAD (PM2_Supporting). Well-established in vitro or in vivo functional studies supportive of a damaging effect on the protein function (PS3_supporting).

Literature cited by the submitters: PubMed 30447183.

NM_001323289.2(CDKL5):c.104C>T (p.Thr35Ile)

Gene: CDKL5 (cyclin dependent kinase like 5; plus strand). Cytogenetic location: Xp22.13.
Variant type: single nucleotide variant.
Coding change: c.104C>T on transcript NM_001323289.2 (MANE Select); coding-DNA position 104, C replaced by T.
Protein change: p.Thr35Ile; replaces threonine 35 with isoleucine.
Molecular consequence: missense variant.
Genome position (GRCh38, 1-based): chrX:18,564,481, C>T. VCF-style: chrX-18564481-C-T. GRCh37 (hg19) VCF-style: chrX-18582601-C-T.
Other names: NM_003159.3:c.104C>T; c.104C>T, p.Thr35Ile (NM_001037343.2, NM_003159.3); short protein forms T35I.
Identifiers: ClinVar variation 3602046 (VCV003602046.1).
Genomic context (GRCh38, chrX:18,564,481, plus strand): 5'-CCCCAGTCGGAAAAACACTGGAGAATGACTTTCCTTCTGCTTCTTTTCCCTTGCAGGAAA[C>T]ACATGAAATTGTGGCGATCAAGAAATTCAAGGACAGTGAAGGTAGATATATATATATATA-3'
Protein context (NP_001310218.1, residues 25-45): GVVLKCRHKE[Thr35Ile]HEIVAIKKFK